The following is an entry in ClinVar:

ClinVar aggregate classification (germline): Uncertain significance (1 of 4 stars; one submission).

Allele frequency attached by ClinVar (database versions not stated): gnomAD exomes below 0.00001; ExAC 0.00001.
gnomAD v4.1: 4 of 1,613,962 alleles (0.00025%); highest among the groups gnomAD compares: Non-Finnish European, 0.00034%; no homozygotes.

Submission:

Labcorp Genetics (formerly Invitae), Labcorp
Classification: Uncertain significance. Last evaluated: 2021-12-05. Review status: criteria provided, single submitter. Criteria: Invitae Variant Classification Sherloc (09022015). Collection method: clinical testing. Allele origin: germline.
Comment: This sequence change replaces threonine, which is neutral and polar, with isoleucine, which is neutral and non-polar, at codon 25 of the RBBP8 protein (p.Thr25Ile). This variant is present in population databases (rs751695183, gnomAD 0.0009%). This variant has not been reported in the literature in individuals affected with RBBP8-related conditions. Algorithms developed to predict the effect of missense changes on protein structure and function are either unavailable or do not agree on the potential impact of this missense change (SIFT: "Deleterious"; PolyPhen-2: "Possibly Damaging"; Align-GVGD: "Class C0"). In summary, the available evidence is currently insufficient to determine the role of this variant in disease. Therefore, it has been classified as a Variant of Uncertain Significance.

NM_002894.3(RBBP8):c.74C>T (p.Thr25Ile)

Gene: RBBP8 (RB binding protein 8, endonuclease; plus strand). Cytogenetic location: 18q11.2.
Variant type: single nucleotide variant.
Coding change: c.74C>T on transcript NM_002894.3 (MANE Select); coding-DNA position 74, C replaced by T.
Protein change: p.Thr25Ile; replaces threonine 25 with isoleucine.
Molecular consequence: missense variant.
Genome position (GRCh38, 1-based): chr18:22,936,925, C>T. VCF-style: chr18-22936925-C-T. GRCh37 (hg19) VCF-style: chr18-20516888-C-T.
Other names: c.74C>T, p.Thr25Ile (NM_203291.2, NM_203292.2); short protein forms T25I.
Identifiers: ClinVar variation 1488836 (VCV001488836.6), dbSNP rs751695183, ClinGen allele CA8909663.
Genomic context (GRCh38, chr18:22,936,925, plus strand): 5'-GAAGCAGCTGTGGAAGCCCTAACTCTGCAGATACATCTAGTGACTTTAAGGACCTTTGGA[C>T]AAAACTAAAAGAATGTCATGATAGAGAAGTACAAGGTAAAATCTTTTCTTAAATACTTAC-3'
Protein context (NP_002885.1, residues 15-35): DTSSDFKDLW[Thr25Ile]KLKECHDREV